The following is an entry in ClinVar:

ClinVar aggregate classification (germline): Benign/Likely benign. Review status: criteria provided, multiple submitters, no conflicts (2 of 4 stars). 5 submissions from 5 submitters: Benign (1); Likely benign (4). Last evaluated 2025-08-24.

Conditions:
Hereditary cancer-predisposing syndrome. Also called: Tumor predisposition; Neoplastic Syndromes, Hereditary; Hereditary Cancer Syndrome; Hereditary neoplastic syndrome. Identifiers: Orphanet 140162, MedGen C0027672, MeSH D009386, MONDO:0015356.
Familial cancer of breast. Also called: Hereditary breast cancer; BREAST CANCER, FAMILIAL; hereditary breast carcinoma. Identifiers: Orphanet 227535, MedGen C0346153, MONDO:0016419, OMIM 114480. Disease mechanism: loss of function.

Allele frequency attached by ClinVar (database versions not stated): gnomAD exomes 0.00001.
gnomAD v4.1: 3 of 1,614,170 alleles (0.00019%); highest among the groups gnomAD compares: Admixed American, 0.0017%; no homozygotes.

Submissions (5):

Color Diagnostics, LLC DBA Color Health
Classification: Likely benign for Hereditary cancer-predisposing syndrome. Last evaluated: 2025-08-24. Review status: criteria provided, single submitter. Criteria: ACMG Guidelines, 2015. Collection method: clinical testing. Allele origin: germline.

Women's Health and Genetics/Laboratory Corporation of America, LabCorp
Classification: Likely benign. Last evaluated: 2025-07-10. Review status: criteria provided, single submitter. Criteria: LabCorp Variant Classification Summary - May 2015. Collection method: clinical testing. Allele origin: germline.

Labcorp Genetics (formerly Invitae), Labcorp
Classification: Likely benign for Familial cancer of breast. Last evaluated: 2025-07-08. Review status: criteria provided, single submitter. Criteria: Invitae Variant Classification Sherloc (09022015). Collection method: clinical testing. Allele origin: germline.

Myriad Genetics, Inc.
Classification: Benign for Familial cancer of breast. Last evaluated: 2025-01-14. Review status: criteria provided, single submitter. Criteria: Myriad Autosomal Dominant, Autosomal Recessive and X-Linked Classification Criteria (2023). Collection method: clinical testing. Allele origin: unknown.
Comment: This variant is considered benign. This variant is a silent/synonymous amino acid change and it is not expected to impact splicing.

Ambry Genetics
Classification: Likely benign for Hereditary cancer-predisposing syndrome. Last evaluated: 2019-08-08. Review status: criteria provided, single submitter. Criteria: Ambry Variant Classification Scheme 2023. Collection method: clinical testing. Allele origin: germline.

NM_024675.4(PALB2):c.1809A>G (p.Leu603=)

Gene: PALB2 (partner and localizer of BRCA2; minus strand). Cytogenetic location: 16p12.2.
Variant type: single nucleotide variant.
Coding change: c.1809A>G on transcript NM_024675.4 (MANE Select); coding-DNA position 1809, A replaced by G.
Protein change: p.Leu603=; no amino-acid change (leucine 603 retained).
Molecular consequence: synonymous variant.
Genome position (GRCh38, 1-based): chr16:23,630,345, T>C on the plus strand (A>G on the coding strand, the complement: PALB2 is on the minus strand). VCF-style: chr16-23630345-T-C. GRCh37 (hg19) VCF-style: chr16-23641666-T-C.
Identifiers: ClinVar variation 241534 (VCV000241534.19), dbSNP rs878855103, ClinGen allele CA10583369.